The following is an entry in ClinVar:

NM_000059.4(BRCA2):c.7093del (p.His2365fs)

Gene: BRCA2 (BRCA2 DNA repair associated; plus strand). Cytogenetic location: 13q13.1.
Variant type: Deletion.
Coding change: c.7093del on transcript NM_000059.4 (MANE Select); coding-DNA position 7093, one base deleted (C; older notation c.7093delC).
Protein change: p.His2365fs; shifts the reading frame from histidine 2365.
Molecular consequence: frameshift variant.
Genome position (GRCh38, 1-based): chr13:32,354,946, C deleted. VCF-style (leftmost placement, unchanged base first): chr13-32354945-AC-A. GRCh37 (hg19) VCF-style: chr13-32929082-AC-A.
Other names: c.6997delC, p.His2333Ilefs (NM_001406719.1); c.7093delC, p.His2365Ilefs (NM_001406720.1); c.2161delC, p.His721Ilefs (NM_001406721.1); c.676delC, p.His226Ilefs (NM_001406722.1); short protein forms H2365fs.
Identifiers: ClinVar variation 1757108 (VCV001757108.2), dbSNP rs2548540095, ClinGen allele CA2580087388.

ClinVar aggregate classification (germline): Pathogenic (1 of 4 stars; one submission).

Conditions:
Hereditary cancer-predisposing syndrome. Also called: Neoplastic Syndromes, Hereditary; Tumor predisposition; Hereditary Cancer Syndrome; Hereditary neoplastic syndrome. Identifiers: Orphanet 140162, MedGen C0027672, MeSH D009386, MONDO:0015356.

Submission:

Ambry Genetics
Classification: Pathogenic for Hereditary cancer-predisposing syndrome. Last evaluated: 2017-01-03. Review status: criteria provided, single submitter. Criteria: Ambry Variant Classification Scheme 2023. Collection method: clinical testing. Allele origin: germline.
Comment: The c.7093delC pathogenic mutation, located in coding exon 13 of the BRCA2 gene, results from a deletion of one nucleotide at nucleotide position 7093, causing a translational frameshift with a predicted alternate stop codon (p.H2365Ifs*2). This alteration is expected to result in loss of function by premature protein truncation or nonsense-mediated mRNA decay. As such, this alteration is interpreted as a disease-causing mutation.